The following is an entry in ClinVar:

NM_024741.3(ZNF408):c.1534C>T (p.Arg512Cys)

Gene: ZNF408 (zinc finger protein 408; plus strand). Cytogenetic location: 11p11.2.
Variant type: single nucleotide variant.
Coding change: c.1534C>T on transcript NM_024741.3 (MANE Select); coding-DNA position 1534, C replaced by T.
Protein change: p.Arg512Cys; replaces arginine 512 with cysteine.
Molecular consequence: missense variant.
Genome position (GRCh38, 1-based): chr11:46,705,234, C>T. VCF-style: chr11-46705234-C-T. GRCh37 (hg19) VCF-style: chr11-46726784-C-T.
Other names: c.1510C>T, p.Arg504Cys (NM_001184751.2); short protein forms R504C, R512C.
Identifiers: ClinVar variation 838525 (VCV000838525.9), dbSNP rs757937681, ClinGen allele CA5966592.

ClinVar aggregate classification (germline): Uncertain significance (1 of 4 stars; one submission).

Allele frequency attached by ClinVar (database versions not stated): gnomAD 0.00001; gnomAD exomes 0.00001 and 0.00002; ExAC 0.00003; TOPMed 0.00003.
gnomAD v4.1: 17 of 1,611,910 alleles (0.0011%); highest among the groups gnomAD compares: East Asian, 0.0022%; no homozygotes.

Submission:

Labcorp Genetics (formerly Invitae), Labcorp
Classification: Uncertain significance. Last evaluated: 2024-09-18. Review status: criteria provided, single submitter. Criteria: Invitae Variant Classification Sherloc (09022015). Collection method: clinical testing. Allele origin: germline.
Comment: This sequence change replaces arginine, which is basic and polar, with cysteine, which is neutral and slightly polar, at codon 512 of the ZNF408 protein (p.Arg512Cys). This variant is present in population databases (rs757937681, gnomAD 0.003%). This variant has not been reported in the literature in individuals affected with ZNF408-related conditions. ClinVar contains an entry for this variant (Variation ID: 838525). An algorithm developed to predict the effect of missense changes on protein structure and function (PolyPhen-2) suggests that this variant is likely to be disruptive. In summary, the available evidence is currently insufficient to determine the role of this variant in disease. Therefore, it has been classified as a Variant of Uncertain Significance.